The following is an entry in ClinVar:

ClinVar aggregate classification (germline): Uncertain significance (1 of 4 stars; one submission).

gnomAD v4.1: 9 of 1,614,190 alleles (0.00056%); highest among the groups gnomAD compares: Non-Finnish European, 0.00076%; no homozygotes.

Submission:

Labcorp Genetics (formerly Invitae), Labcorp
Classification: Uncertain significance. Last evaluated: 2025-12-19. Review status: criteria provided, single submitter. Criteria: Invitae Variant Classification Sherloc (09022015). Collection method: clinical testing. Allele origin: germline.
Comment: This sequence change replaces glutamine, which is neutral and polar, with arginine, which is basic and polar, at codon 368 of the ADNP protein (p.Gln368Arg). This variant is present in population databases (no rsID available, gnomAD 0.0009%). This variant has not been reported in the literature in individuals affected with ADNP-related conditions. An algorithm developed to predict the effect of missense changes on protein structure and function (PolyPhen-2) suggests that this variant is likely to be tolerated. In summary, the available evidence is currently insufficient to determine the role of this variant in disease. Therefore, it has been classified as a Variant of Uncertain Significance.

NM_001282531.3(ADNP):c.1103A>G (p.Gln368Arg)

Gene: ADNP (activity dependent neuroprotector homeobox; minus strand). Cytogenetic location: 20q13.13.
Variant type: single nucleotide variant.
Coding change: c.1103A>G on transcript NM_001282531.3 (MANE Select); coding-DNA position 1103, A replaced by G.
Protein change: p.Gln368Arg; replaces glutamine 368 with arginine.
Molecular consequence: missense variant.
Genome position (GRCh38, 1-based): chr20:50,893,611, T>C on the plus strand (A>G on the coding strand, the complement: ADNP is on the minus strand). VCF-style: chr20-50893611-T-C. GRCh37 (hg19) VCF-style: chr20-49510148-T-C.
Other names: c.1103A>G, p.Gln368Arg (NM_001282532.2, NM_001347511.2, NM_015339.5 and 1 more transcripts); c.1319A>G, p.Gln440Arg (NM_001439000.1); c.419A>G, p.Gln140Arg (NM_001439001.1); short protein forms Q140R, Q368R, Q440R.
Identifiers: ClinVar variation 4808824 (VCV004808824.1).
Genomic context (GRCh38, chr20:50,893,611, plus strand): 5'-GCCTGGGACCTCTGCTCTGACCCAAGCCCATAAGACCTTCCGTTTCCACTTGGAAGTAAC[T>C]GCTTTACAGACTGAGATTGTTGAGGAATGGAAACTGGTGCGTTGCCACCTAGACCCAGTC-3'
Protein context (NP_001269460.1, residues 358-378): SIPQQSQSVK[Gln368Arg]LLPSGNGRSY